The following is an entry in ClinVar:

NM_145290.4(ADGRA3):c.2022A>T (p.Ile674=)

Gene: ADGRA3 (adhesion G protein-coupled receptor A3; minus strand). Cytogenetic location: 4p15.2.
Variant type: single nucleotide variant.
Coding change: c.2022A>T on transcript NM_145290.4 (MANE Select); coding-DNA position 2022, A replaced by T.
Protein change: p.Ile674=; no amino-acid change (isoleucine 674 retained).
Molecular consequence: synonymous variant.
Genome position (GRCh38, 1-based): chr4:22,413,602, T>A on the plus strand (A>T on the coding strand, the complement: ADGRA3 is on the minus strand). VCF-style: chr4-22413602-T-A. GRCh37 (hg19) VCF-style: chr4-22415225-T-A.
Identifiers: ClinVar variation 1919046 (VCV001919046.5), dbSNP rs781262046, ClinGen allele CA2873764.

ClinVar aggregate classification (germline): Uncertain significance (1 of 4 stars; one submission).

Allele frequency attached by ClinVar (database versions not stated): TOPMed below 0.00001.
gnomAD v4.1: 2 of 1,612,962 alleles (0.00012%); highest among the groups gnomAD compares: Admixed American, 0.0033%; no homozygotes.

Submission:

Labcorp Genetics (formerly Invitae), Labcorp
Classification: Uncertain significance. Last evaluated: 2022-06-01. Review status: criteria provided, single submitter. Criteria: Invitae Variant Classification Sherloc (09022015). Collection method: clinical testing. Allele origin: germline.
Comment: This sequence change affects codon 674 of the ADGRA3 mRNA. It is a 'silent' change, meaning that it does not change the encoded amino acid sequence of the ADGRA3 protein. It affects a nucleotide within the consensus splice site. In summary, the available evidence is currently insufficient to determine the role of this variant in disease. Therefore, it has been classified as a Variant of Uncertain Significance. Algorithms developed to predict the effect of sequence changes on RNA splicing suggest that this variant may create or strengthen a splice site. This variant has not been reported in the literature in individuals affected with ADGRA3-related conditions. This variant is present in population databases (rs781262046, gnomAD 0.006%).